The following is an entry in ClinVar:

ClinVar aggregate classification (germline): Likely benign. Review status: criteria provided, multiple submitters, no conflicts (2 of 4 stars). 2 submissions from 2 submitters: Likely benign (2). Last evaluated 2025-10-01.

Conditions:
Colorectal cancer, susceptibility to, 12 (CRCS12). Also called: COLORECTAL CANCER, SUSCEPTIBILITY TO, ON CHROMOSOME 12q24. Identifiers: Orphanet 220460, MedGen C3554460, MONDO:0014038, OMIM 615083.

Submissions (2):

Labcorp Genetics (formerly Invitae), Labcorp
Classification: Likely benign. Last evaluated: 2025-10-01. Review status: criteria provided, single submitter. Criteria: Invitae Variant Classification Sherloc (09022015). Collection method: clinical testing. Allele origin: germline.

Myriad Genetics, Inc.
Classification: Likely benign for Colorectal cancer, susceptibility to, 12. Last evaluated: 2025-02-10. Review status: criteria provided, single submitter. Criteria: Myriad Autosomal Dominant, Autosomal Recessive and X-Linked Classification Criteria (2023). Collection method: clinical testing. Allele origin: unknown.
Comment: This variant is considered likely benign. This variant is intronic and is not expected to impact mRNA splicing.

NM_006231.4(POLE):c.1021-6G>A

Gene: POLE (DNA polymerase epsilon, catalytic subunit; minus strand). Cytogenetic location: 12q24.33.
Variant type: single nucleotide variant.
Coding change: c.1021-6G>A on transcript NM_006231.4 (MANE Select); 6 bases into the intron before coding-DNA position 1021, G replaced by A.
Molecular consequence: intron variant.
Genome position (GRCh38, 1-based): chr12:132,675,826, C>T on the plus strand (G>A on the coding strand, the complement: POLE is on the minus strand). VCF-style: chr12-132675826-C-T. GRCh37 (hg19) VCF-style: chr12-133252412-C-T.
Identifiers: ClinVar variation 729833 (VCV000729833.10), dbSNP rs1344503517, ClinGen allele CA915946760.